The following is an entry in ClinVar:

NM_181458.4(PAX3):c.143G>A (p.Gly48Asp)

Gene: PAX3 (paired box 3; minus strand). Cytogenetic location: 2q36.1.
Variant type: single nucleotide variant.
Coding change: c.143G>A on transcript NM_181458.4 (MANE Select); coding-DNA position 143, G replaced by A.
Protein change: p.Gly48Asp; replaces glycine 48 with aspartic acid.
Molecular consequence: missense variant.
Genome position (GRCh38, 1-based): chr2:222,297,156, C>T on the plus strand (G>A on the coding strand, the complement: PAX3 is on the minus strand). VCF-style: chr2-222297156-C-T. GRCh37 (hg19) VCF-style: chr2-223161875-C-T.
Other names: c.143G>A, p.Gly48Asp (NM_000438.6, NM_001127366.3, NM_013942.5 and 4 more transcripts); short protein forms G48D.
Identifiers: ClinVar variation 4993650 (VCV004993650.1).

ClinVar aggregate classification (germline): Likely pathogenic (1 of 4 stars; one submission).

Conditions:
PAX3-related disorder. Also called: PAX3-related condition.

Submission:

PreventionGenetics, part of Exact Sciences
Classification: Likely pathogenic for PAX3-related condition. Last evaluated: 2026-04-06. Review status: criteria provided, single submitter. Criteria: ACMG Guidelines, 2015. Collection method: clinical testing. Allele origin: germline.
Comment: The PAX3 c.143G>A variant is predicted to result in the amino acid substitution p.Gly48Asp. This variant was reported in the heterozygous state in two individuals with Waardenburg syndrome (Table 1, Wildhardt et al. 2013. PubMed ID: 23512835; Korkmaz et al. 2023. DOI: 10.4274/buchd.galenos.2023.29863). This variant has not been reported in a large population database (gnomAD), indicating this variant is rare. Alternative variants at the same codon (p.Gly48Ser, p.Gly48Arg, p.Gly48Cys) have been reported in individuals with Waardenburg syndrome (Internal data; DeStefano et al. 1998. PubMed ID: 9654197; Bocángel et al. 2018. PubMed ID: 29407415). This variant is interpreted as likely pathogenic.